The following is an entry in ClinVar:

NM_001110556.2(FLNA):c.7294G>A (p.Val2432Met)

Gene: FLNA (filamin A; minus strand). Cytogenetic location: Xq28.
Variant type: single nucleotide variant.
Coding change: c.7294G>A on transcript NM_001110556.2 (MANE Select); coding-DNA position 7294, G replaced by A.
Protein change: p.Val2432Met; replaces valine 2432 with methionine.
Molecular consequence: missense variant.
Genome position (GRCh38, 1-based): chrX:154,350,070, C>T on the plus strand (G>A on the coding strand, the complement: FLNA is on the minus strand). VCF-style: chrX-154350070-C-T. GRCh37 (hg19) VCF-style: chrX-153578438-C-T.
Other names: c.7270G>A, p.Val2424Met (NM_001456.4); short protein forms V2424M, V2432M.
Identifiers: ClinVar variation 1321249 (VCV001321249.1), dbSNP rs2148101224, ClinGen allele CA415183772.
Genomic context (GRCh38, chrX:154,350,070, plus strand): 5'-CAGCCGCACCGACAGACTTACCTGTGACACCGCCTTCCAGACCTGCTCCGTAAGCAGACA[C>T]CAAGCCTGGGTCCCCTCCATGCCCAGGCTCCCCAACTCGGATCTTGAAGGGGCTTCCAGG-3'
Protein context (NP_001104026.1, residues 2422-2442): EPGHGGDPGL[Val2432Met]SAYGAGLEGG

ClinVar aggregate classification (germline): Uncertain significance (1 of 4 stars; one submission).

Conditions:
FG syndrome 2 (FGS2). Identifiers: MedGen C1845902, MONDO:0010297, OMIM 300321.

Submission:

3billion
Classification: Uncertain significance for FG syndrome 2. Last evaluated: 2021-10-25. Review status: criteria provided, single submitter. Criteria: ACMG Guidelines, 2015. Collection method: clinical testing. Allele origin: maternal. Affected: yes. Observed: 1 hemizygote.
Comment: This variant is not observed in the gnomAD v2.1.1 dataset (PM2). In silico tool predictions suggest damaging effect of the variant on gene or gene product (REVEL: 0.893, PP3). Therefore, this variant is classified as uncertain significance according to the recommendation of ACMG/AMP guideline.